The following is an entry in ClinVar:

ClinVar aggregate classification (germline): Uncertain significance (1 of 4 stars; one submission).

Conditions:
Cardiovascular phenotype. Identifiers: MedGen CN230736.

Submission:

Ambry Genetics
Classification: Uncertain significance for Cardiovascular phenotype. Last evaluated: 2025-03-03. Review status: criteria provided, single submitter. Criteria: Ambry Variant Classification Scheme 2023. Collection method: clinical testing. Allele origin: germline.
Comment: The p.D1487G variant (also known as c.4460A>G), located in coding exon 26 of the APOB gene, results from an A to G substitution at nucleotide position 4460. The aspartic acid at codon 1487 is replaced by glycine, an amino acid with similar properties. This amino acid position is conserved. In addition, this alteration is predicted to be tolerated by in silico analysis. Based on the available evidence, the clinical significance of this variant remains unclear.

NM_000384.3(APOB):c.4460A>G (p.Asp1487Gly)

Gene: APOB (apolipoprotein B; minus strand). Cytogenetic location: 2p24.1.
Variant type: single nucleotide variant.
Coding change: c.4460A>G on transcript NM_000384.3 (MANE Select); coding-DNA position 4460, A replaced by G.
Protein change: p.Asp1487Gly; replaces aspartic acid 1487 with glycine.
Molecular consequence: missense variant.
Genome position (GRCh38, 1-based): chr2:21,012,408, T>C on the plus strand (A>G on the coding strand, the complement: APOB is on the minus strand). VCF-style: chr2-21012408-T-C. GRCh37 (hg19) VCF-style: chr2-21235280-T-C.
Other names: short protein forms D1487G.
Identifiers: ClinVar variation 3885363 (VCV003885363.1).